The following is an entry in ClinVar:

NM_005911.6(MAT2A):c.663C>T (p.Ala221=)

Genes: GGCX (gamma-glutamyl carboxylase; minus strand), MAT2A (methionine adenosyltransferase 2A; plus strand). Cytogenetic location: 2p11.2.
Variant type: single nucleotide variant.
Coding change: c.663C>T on transcript NM_005911.6 (MANE Select); coding-DNA position 663, C replaced by T.
Protein change: p.Ala221=; no amino-acid change (alanine 221 retained).
Molecular consequence: synonymous variant.
Genome position (GRCh38, 1-based): chr2:85,542,268, C>T. VCF-style: chr2-85542268-C-T. GRCh37 (hg19) VCF-style: chr2-85769391-C-T.
Identifiers: ClinVar variation 507567 (VCV000507567.14), dbSNP rs41290031, ClinGen allele CA1741460.

ClinVar aggregate classification (germline): Likely benign. Review status: criteria provided, multiple submitters, no conflicts (2 of 4 stars). 4 submissions from 4 submitters: Likely benign (4). Last evaluated 2025-10-16.

Conditions:
MAT2A-related disorder. Also called: MAT2A-related condition.
Cardiovascular phenotype. Identifiers: MedGen CN230736.
Familial thoracic aortic aneurysm and aortic dissection (TAAD). Also called: Thoracic aortic aneurysms and dissections. Identifiers: Orphanet 91387, MedGen C4707243, MONDO:0019625.

Allele frequency attached by ClinVar (database versions not stated): ExAC 0.00001; 1000 Genomes Project 0.00020; 1000 Genomes Project 30x 0.00031.
gnomAD v4.1: 25 of 1,613,742 alleles (0.0015%); highest among the groups gnomAD compares: Non-Finnish European, 0.0019%; no homozygotes.

Submissions (4):

PreventionGenetics, part of Exact Sciences
Classification: Likely benign for MAT2A-related condition. Last evaluated: 2025-10-16. Review status: criteria provided, single submitter. Criteria: ACMG Guidelines, 2015. Collection method: clinical testing. Allele origin: germline.
Comment: This variant is classified as likely benign based on ACMG/AMP sequence variant interpretation guidelines (Richards et al. 2015 PMID: 25741868, with internal and published modifications).

Labcorp Genetics (formerly Invitae), Labcorp
Classification: Likely benign for Familial thoracic aortic aneurysm and aortic dissection. Last evaluated: 2025-03-05. Review status: criteria provided, single submitter. Criteria: Invitae Variant Classification Sherloc (09022015). Collection method: clinical testing. Allele origin: germline.

Ambry Genetics
Classification: Likely benign for Cardiovascular phenotype. Last evaluated: 2019-11-19. Review status: criteria provided, single submitter. Criteria: Ambry Variant Classification Scheme 2023. Collection method: clinical testing. Allele origin: germline.

GeneDx
Classification: Likely benign. Last evaluated: 2019-03-14. Review status: criteria provided, single submitter. Criteria: GeneDx Variant Classification Process June 2021. Collection method: clinical testing. Allele origin: germline. Affected: yes.